The following is an entry in ClinVar:

NM_000392.5(ABCC2):c.-24C>T

Gene: ABCC2 (ATP binding cassette subfamily C member 2; plus strand). Cytogenetic location: 10q24.2.
Variant type: single nucleotide variant.
Coding change: c.-24C>T on transcript NM_000392.5 (MANE Select); 24 bases upstream of the start codon, C replaced by T.
Molecular consequence: 5 prime UTR variant.
Genome position (GRCh38, 1-based): chr10:99,782,821, C>T. VCF-style: chr10-99782821-C-T. GRCh37 (hg19) VCF-style: chr10-101542578-C-T.
Other names: c.-24C>T (LRG_1208t1, NM_000392.4).
Identifiers: ClinVar variation 298437 (VCV000298437.14), dbSNP rs717620, ClinGen allele CA5642739.

ClinVar aggregate classification (germline): Benign. Review status: criteria provided, multiple submitters, no conflicts (2 of 4 stars). 6 submissions from 6 submitters: Benign (5). 1 of the submissions does not count toward it. Last evaluated 2024-10-23.

Conditions:
Dubin-Johnson syndrome (DJS). Also called: HYPERBILIRUBINEMIA, DUBIN-JOHNSON TYPE; Jaundice, Chronic Idiopathic; Hyperbilirubinemia type 2. Identifiers: Orphanet 234, MedGen C0022350, MONDO:0009380, OMIM 237500.
ABCC2-related disorder. Also called: ABCC2-related condition.

Allele frequency attached by ClinVar (database versions not stated): 1000 Genomes Project 0.13498; 1000 Genomes Project 30x 0.13632; TOPMed 0.14735; ESP Exome Variant Server 0.15216; gnomAD 0.15338 and 0.15393; ExAC 0.16868; gnomAD exomes 0.17055 and 0.18997.

Submissions (6):

Mayo Clinic Laboratories, Mayo Clinic
Classification: Benign. Last evaluated: 2024-10-23. Review status: criteria provided, single submitter. Criteria: ACMG Guidelines, 2015. Collection method: clinical testing. Allele origin: germline. Observed: 145 variant alleles.

GeneDx
Classification: Benign. Last evaluated: 2021-06-18. Review status: criteria provided, single submitter. Criteria: GeneDx Variant Classification Process June 2021. Collection method: clinical testing. Allele origin: germline. Affected: yes.
Comment: This variant is associated with the following publications: (PMID: 19415824, 22664480, 16788565, 24743544, 19890061, 21451505)

Illumina Laboratory Services, Illumina
Classification: Benign for Dubin-Johnson syndrome. Last evaluated: 2018-03-06. Review status: criteria provided, single submitter. Criteria: ICSL Variant Classification Criteria 13 December 2019. Collection method: clinical testing. Allele origin: germline.
Comment: This variant was observed in the ICSL laboratory as part of a predisposition screen in an ostensibly healthy population. It had not been previously curated by ICSL or reported in the Human Gene Mutation Database (HGMD: prior to June 1st, 2018), and was therefore a candidate for classification through an automated scoring system. Utilizing variant allele frequency, disease prevalence and penetrance estimates, and inheritance mode, an automated score was calculated to assess if this variant is too frequent to cause the disease. Based on the score and internal cut-off values, a variant classified as benign is not then subjected to further curation. The score for this variant resulted in a classification of benign for this disease.

Eurofins Ntd Llc (ga)
Classification: Benign. Last evaluated: 2017-07-18. Review status: criteria provided, single submitter. Criteria: EGL Classification Definitions 2015. Collection method: clinical testing. Allele origin: germline.

Breakthrough Genomics
Classification: Benign. Review status: criteria provided, single submitter. Criteria: ACMG Guidelines, 2015. Collection method: not provided. Allele origin: germline. Inheritance: Autosomal recessive inheritance. Affected: yes.

PreventionGenetics, part of Exact Sciences
Classification: Benign for ABCC2-related condition. Last evaluated: 2024-07-22. Review status: no assertion criteria provided. Collection method: clinical testing. Allele origin: germline. Not counted in ClinVar's aggregate classification.
Comment: This variant is classified as benign based on ACMG/AMP sequence variant interpretation guidelines (Richards et al. 2015 PMID: 25741868, with internal and published modifications).